The following is an entry in ClinVar:

ClinVar aggregate classification (germline): Likely pathogenic. Review status: reviewed by expert panel (3 of 4 stars). 6 submissions from 6 submitters: Likely pathogenic (1). 5 of the submissions do not count toward it. Last evaluated 2023-01-18.

Conditions:
Rare genetic deafness. Identifiers: Orphanet 96210, MedGen C5680250.
Usher syndrome. Also called: Usher Syndromes; Usher's syndrome. Identifiers: Orphanet 886, MedGen CN469326, MeSH D052245, MONDO:0019501. Disease mechanism: loss of function.
MYO7A-related disorder. Also called: MYO7A-related disorders.

Allele frequency attached by ClinVar (database versions not stated): gnomAD 0.00003 and 0.00004; ExAC 0.00005; TOPMed 0.00005; ESP Exome Variant Server 0.00015.
gnomAD v4.1: 78 of 1,613,830 alleles (0.0048%); highest among the groups gnomAD compares: Non-Finnish European, 0.0064%; no homozygotes.

Submissions (6):

ClinGen Hearing Loss Variant Curation Expert Panel
Classification: Likely pathogenic for Usher syndrome. Last evaluated: 2023-01-18. Review status: reviewed by expert panel. Criteria: Clingen Hl Acmg Specifications Cdh23 Coch Gjb2 Kcnq4 Myo6 Myo7a Slc26a4 Tecta Ush2a V2. Collection method: curation. Allele origin: germline. Inheritance: Autosomal recessive inheritance.
Comment: The variant NM_000260.4:c.6326C>T in MYO7A is a missense variant predicted to cause substitution of threonine by isoleucine at amino acid 2109 (p.Thr2109Ile). The highest population minor allele frequency in gnomAD v2.1.1 is 0.00006 (8/128408 alleles, 0 homozygotes) for the European (Non-Finnish) population, which meets PM2_supporting criteria. The REVEL computational prediction analysis tool produced a score of 0.821, meeting PP3 criteria. This variant has been reported in two unrelated probands, both with Usher syndrome (PP4; SCV000199631.4). In addition, both probands had an additional MYO7A pathogenic or likely pathogenic variant in trans, meeting PM3_Strong criteria. Finally, the variant was shown to segregate with two affected family members (PP1_Moderate). In summary, the variant meets criteria to be classified as likely pathogenic for AR Usher syndrome. ACMG/AMP criteria met, as specified by the ClinGen Hearing Loss VCEP: PM2_supporting, PP3, PP4, PM3_Strong, PP1_Moderate (ClinGen Hearing Loss VCEP specifications version 2; 1/18/2023).

Labcorp Genetics (formerly Invitae), Labcorp
Classification: Pathogenic. Last evaluated: 2025-11-08. Review status: criteria provided, single submitter. Criteria: Invitae Variant Classification Sherloc (09022015). Collection method: clinical testing. Allele origin: germline. Not counted in ClinVar's aggregate classification.
Comment: This sequence change replaces threonine, which is neutral and polar, with isoleucine, which is neutral and non-polar, at codon 2109 of the MYO7A protein (p.Thr2109Ile). This variant is present in population databases (rs377670513, gnomAD 0.006%). This missense change has been observed in individual(s) with clinical features of autosomal recessive MYO7A associated conditions (external communication, internal data). In at least one individual the data is consistent with being in trans (on the opposite chromosome) from a pathogenic variant. It has also been observed to segregate with disease in related individuals. ClinVar contains an entry for this variant (Variation ID: 164724). Invitae Evidence Modeling of protein sequence and biophysical properties (such as structural, functional, and spatial information, amino acid conservation, physicochemical variation, residue mobility, and thermodynamic stability) has been performed for this missense variant. However, the output from this modeling did not meet the statistical confidence thresholds required to predict the impact of this variant on MYO7A protein function. For these reasons, this variant has been classified as Pathogenic.

GeneDx
Classification: Uncertain significance. Last evaluated: 2022-10-21. Review status: criteria provided, single submitter. Criteria: GeneDx Variant Classification Process June 2021. Collection method: clinical testing. Allele origin: germline. Affected: yes. Not counted in ClinVar's aggregate classification.
Comment: In silico analysis supports that this missense variant has a deleterious effect on protein structure/function; Has not been previously published as pathogenic or benign to our knowledge; Reported in ClinVar as likely pathogenic by the ClinGen Hearing Loss Variant Curation Expert Panel (ClinVar Variant ID 164724; ClinVar); This variant is associated with the following publications: (PMID: 33671976)

Blueprint Genetics
Classification: Likely pathogenic for MYO7A-related disorders. Last evaluated: 2022-01-24. Review status: criteria provided, single submitter. Criteria: ACMG Guidelines, 2015. Collection method: clinical testing. Allele origin: germline. Affected: yes. Observed: 3 variant alleles. Not counted in ClinVar's aggregate classification.

Laboratory for Molecular Medicine, Mass General Brigham Personalized Medicine
Classification: Likely pathogenic for Rare genetic deafness. Last evaluated: 2017-07-25. Review status: criteria provided, single submitter. Criteria: LMM Criteria. Collection method: clinical testing. Allele origin: germline. Inheritance: Autosomal recessive inheritance. Observed: 6 variant alleles. Not counted in ClinVar's aggregate classification.
Comment: The p.Thr2109Ile variant in MYO7A has been identified by our laboratory in two u nrelated individuals with clinical features of Usher syndrome and segregated in two affected family members. In both families, a second MYO7A variant was identi fied on the remaining copy of the gene. The age of onset of the retinitis pigmen tosa in two siblings was reported to be in the mid to late 30s, which is atypica l for classic type 1 Usher syndrome. The two affected siblings in the other fami ly presented hearing loss but no reported vision findings at the age under 5. Th e p.Thr2109Ile variant has been identified in 8/126680 European chromosomes and 1/24022 African chromosomes by the Genome Aggregation Database (gnomAD; dbSNP rs377670513); however, its frequency is low enou gh to be consistent with a recessive carrier frequency. Computational prediction tools and conservation analysis suggest that the p.Thr2109Ile variant may impac t the protein. In summary, although additional studies are required to fully est ablish its clinical significance, the p.Thr2109Ile variant is likely pathogenic.

Eurofins Ntd Llc (ga)
Classification: Uncertain significance. Last evaluated: 2017-01-09. Review status: criteria provided, single submitter. Criteria: EGL Classification Definitions 2015. Collection method: clinical testing. Allele origin: germline. Observed: 1 variant allele, 1 heterozygote. Not counted in ClinVar's aggregate classification.

NM_000260.4(MYO7A):c.6326C>T (p.Thr2109Ile)

Gene: MYO7A (myosin VIIA; plus strand). Cytogenetic location: 11q13.5.
Variant type: single nucleotide variant.
Coding change: c.6326C>T on transcript NM_000260.4 (MANE Select); coding-DNA position 6326, C replaced by T.
Protein change: p.Thr2109Ile; replaces threonine 2109 with isoleucine.
Molecular consequence: missense variant.
Genome position (GRCh38, 1-based): chr11:77,211,909, C>T. VCF-style: chr11-77211909-C-T. GRCh37 (hg19) VCF-style: chr11-76922954-C-T.
Other names: c.6212C>T, p.Thr2071Ile (NM_001127180.2); c.6179C>T, p.Thr2060Ile (NM_001369365.1); short protein forms T2109I, T2060I, T2071I.
Identifiers: ClinVar variation 164724 (VCV000164724.22), dbSNP rs377670513, ClinGen allele CA278724.